The following continues an entry in ClinVar:

NM_000059.4(BRCA2):c.8165C>G (p.Thr2722Arg)

Gene: BRCA2. ClinVar aggregate classification (germline): Pathogenic. Pathogenic (1).

Submissions 11 to 23 of 23:

Color Diagnostics, LLC DBA Color Health
Classification: Pathogenic for Hereditary cancer-predisposing syndrome. Last evaluated: 2023-03-03. Review status: criteria provided, single submitter. Criteria: ACMG Guidelines, 2015. Collection method: clinical testing. Allele origin: germline. Not counted in ClinVar's aggregate classification.
Comment: This missense variant replaces threonine with arginine at codon 2722 of the BRCA2 protein. Computational prediction suggests that this variant may have deleterious impact on protein structure and function (internally defined REVEL score threshold >= 0.7, PMID: 27666373). RNA studies found that this variant causes partial exon 18 skipping both in patient-derived RNA (PMID: 18607349, 12145750) and in a minigene splicing assay (PMID: 20215541). Functional studies reported the full-length variant protein to be defective in homology-directed DNA repair, centrosome duplication and BRCA2-null mouse embryonic cell complementation assays (PMID: 18451181, 18607349, 23108138, 25146914, 33609447, 35736817). This variant has been observed in several individuals with a personal and/or family history of breast/ovarian cancer (PMID: 12145750, 16683254, 18451181, 25682074, 28324225, 29446198, 30039884, 31407530, 35464868). In a large breast cancer case-control meta-analysis conducted by the BRIDGES consortium, this variant was reported in 5/60466 cases and 1/53461 unaffected controls (OR=4.421 (95%CI 0.516 to 37.844))(PMID: 33471991; Leiden Open Variation Database DB-ID BRCA2_000289). This variant has also been reported in multifactorial analysis as pathogenic (PMID: 18451181, 23108138) based in part on co-segregation and family history likelihood ratios of 10.8 and 6.95, respectively (PMID: 18451181, 23108138). This variant has not been identified in the general population by the Genome Aggregation Database (gnomAD). Based on the available evidence, this variant is classified as Pathogenic.

National Health Laboratory Service, Universitas Academic Hospital and University of the Free State
Classification: Pathogenic for Hereditary breast ovarian cancer syndrome. Last evaluated: 2021-11-16. Review status: criteria provided, single submitter. Criteria: ACMG Guidelines, 2015. Collection method: clinical testing. Allele origin: germline. Affected: yes. Observed: 1 variant allele. Not counted in ClinVar's aggregate classification.

Sema4
Classification: Pathogenic for Hereditary cancer-predisposing syndrome. Last evaluated: 2021-10-13. Review status: criteria provided, single submitter. Criteria: Sema4 Curation Guidelines. Collection method: curation. Allele origin: germline. Not counted in ClinVar's aggregate classification.
Comment: The BRCA2 c.8165C>G (p.T2722R) variant has been reported in heterozygosity in at least three individuals with hereditary breast and/or ovarian cancer (PMID: 28324225, 12145750, 27878467). Functional studies have shown that this variant disrupts BRCA2 function in mouse embryonic stem cells, including homology-directed repair activity, increased centrosome amplification, and the inability to rescue cell growth (PMID: 18607349, 23108138, 29988080, 18451181). Experimental studies in patient derived RNA indicate that this variant results in exon 18 skipping (PMID: 12145750, 18607349). This variant was identified in one family, where it was found to segregate with the phenotype across three meioses/individuals (PMID: 12145750). This variant is not reported in the population database Genome Aggregation Database (PMID: 32461654). This variant has been reported in ClinVar (Variation ID: 9340). The variant alters a highly conserved amino acid residue in the oligonucleotide binding domain. In silico tools suggest the impact of the variant on protein function is deleterious. Based on the current evidence available, this variant is interpreted as pathogenic.

Baylor Genetics
Classification: Pathogenic for Familial cancer of breast. Last evaluated: 2021-06-21. Review status: criteria provided, single submitter. Criteria: ACMG Guidelines, 2015. Collection method: clinical testing. Allele origin: unknown. Not counted in ClinVar's aggregate classification.

Institute of Medical Genetics and Applied Genomics, University Hospital Tübingen
Classification: Pathogenic. Last evaluated: 2020-10-23. Review status: criteria provided, single submitter. Criteria: ACMG Guidelines, 2015. Collection method: clinical testing. Allele origin: germline. Inheritance: Unknown mechanism. Affected: yes. Not counted in ClinVar's aggregate classification.

Women's Health and Genetics/Laboratory Corporation of America, LabCorp
Classification: Pathogenic for Hereditary breast and ovarian cancer syndrome. Last evaluated: 2019-06-06. Review status: criteria provided, single submitter. Criteria: LabCorp Variant Classification Summary - May 2015. Collection method: clinical testing. Allele origin: germline. Not counted in ClinVar's aggregate classification.
Comment: Variant summary: BRCA2 c.8165C>G (p.Thr2722Arg) results in a non-conservative amino acid change located in the BRCA2, OB1 domain (IPR015187) of the encoded protein sequence. Five of five in-silico tools predict a damaging effect of the variant on protein function. Several computational tools predict a significant impact on normal splicing by a disruption of ESE sites. At least one publication reports experimental evidence confirming these computational in-silico splicing predictions that this variant results in exon skipping leading to an out of frame fusion of BRCA2 exons 17 and 19 (Fackenthal_2002). This has been additionally corroborated by an HDR assay reporting loss of activity confirming an experimental impact on protein function (Guidugli_2018). The variant was absent in 251098 control chromosomes. c.8165C>G has been reported in the literature in multiple individuals affected with Hereditary Breast and Ovarian Cancer (Fackenthal_2002, Meisel_2017, Rebbeck_2018). These data indicate that the variant is very likely to be associated with disease. Six clinical diagnostic laboratories and one expert panel (CIMBA) have submitted clinical-significance assessments for this variant to ClinVar after 2014 without evidence for independent evaluation. All submitters classified the variant as pathogenic (n=5 to include the expert panel)/likely pathogenic (n=2). Based on the evidence outlined above, the variant was classified as pathogenic.

Quest Diagnostics Nichols Institute San Juan Capistrano
Classification: Pathogenic. Last evaluated: 2017-09-20. Review status: criteria provided, single submitter. Criteria: Quest Diagnostics criteria. Collection method: clinical testing. Allele origin: germline. Not counted in ClinVar's aggregate classification.

Illumina Laboratory Services, Illumina
Classification: Likely pathogenic for BRCA2-Related Disorders. Last evaluated: 2017-05-22. Review status: criteria provided, single submitter. Criteria: ICSL Variant Classification Criteria 09 May 2019. Collection method: clinical testing. Allele origin: germline. Not counted in ClinVar's aggregate classification.
Comment: The BRCA2 c.8165C>G (p.Thr2722Arg) variant has been reported in three studies in which it is found in a heterozygous state in a mother and her two daughters, all of whom were diagnosed with early onset breast and/or ovarian cancer, in a heterozygous state in two individuals with breast cancer and a risk family profile indicative of HBOC or family history of breast cancer (Fackenthal et al. 2002; van der Hout et al. 2006; Meisel et al. 2017). Control data are unavailable for this variant, which, despite good coverage in the region, is also not found in the 1000 Genomes Project, the Exome Sequencing Project, the Exome Aggregation Consortium or the Genome Aggregation Database. RT-PCR analysis of patient derived mRNA showed that the p.Thr2722Arg variant resulted in skipping of exon 18 which produced a shorter transcript than wild type that was predicted to cause a premature truncation of the BRCA2 protein (Fackenthal et al. 2002). In a subsequent study the full length wild type transcript was shown to be more abundant (Kuznetsov 2008). The p.Thr2722Arg variant protein demonstrated impaired BRCA2 protein function in a homology-directed DNA break repair assay as well as an embryonic stem cell based survival assay (Guidugli et al. 2014; Hendriks et al. 2014). Kuznetsov et al. (2008) demonstrated that the variant failed to rescue mouse ES-cell lethality. In addition, a different variant at the same nucleotide position resulting in a different amino acid change was reported in an individual with breast cancer and classified as likely pathogenic (Yadav et al. 2016). Based on the collective evidence, the p.Thr2722Arg variant is classified as likely pathogenic for hereditary breast and ovarian cancer. This variant was observed by ICSL as part of a predisposition screen in an ostensibly healthy population.

Consortium of Investigators of Modifiers of BRCA1/2 (CIMBA), c/o University of Cambridge
Classification: Pathogenic for Breast-ovarian cancer, familial, susceptibility to, 2. Last evaluated: 2015-10-02. Review status: criteria provided, single submitter. Criteria: CIMBA Mutation Classification guidelines May 2016. Collection method: clinical testing. Allele origin: germline. Not counted in ClinVar's aggregate classification.

BRCAlab, Lund University
Classification: Pathogenic for Breast-ovarian cancer, familial, susceptibility to, 2. Last evaluated: 2020-03-02. Review status: no assertion criteria provided. Collection method: clinical testing. Allele origin: germline. Affected: yes. Not counted in ClinVar's aggregate classification.

Breast Cancer Information Core (BIC) (BRCA2)
Classification: Uncertain significance for Breast-ovarian cancer, familial 2. Last evaluated: 2013-02-20. Review status: no assertion criteria provided. Collection method: clinical testing. Allele origin: germline. Affected: yes. Observed: 5 variant alleles. Not counted in ClinVar's aggregate classification.

Sharing Clinical Reports Project (SCRP)
Classification: Pathogenic for Breast-ovarian cancer, familial 2. Last evaluated: 2011-11-17. Review status: no assertion criteria provided. Collection method: clinical testing. Allele origin: germline. Not counted in ClinVar's aggregate classification.

OMIM
Classification: Uncertain significance for RECLASSIFIED - VARIANT OF UNKNOWN SIGNIFICANCE. Last evaluated: 2002-09-01. Review status: no assertion criteria provided. Collection method: literature only. Allele origin: germline. Not counted in ClinVar's aggregate classification.

Literature cited by the submitters: PubMed 23108138 (cited by 5 submitters); PubMed 12145750 (cited by 7 submitters); PubMed 33609447 (cited by Labcorp Genetics (formerly Invitae), Labcorp and Color Diagnostics, LLC DBA Color Health); PubMed 18451181 (cited by 4 submitters); PubMed 18607349 (cited by 5 submitters); PubMed 25146914 (cited by 3 submitters); PubMed 19043619 (cited by Ambry Genetics); PubMed 20215541 (cited by Ambry Genetics and Color Diagnostics, LLC DBA Color Health); PubMed 29394989 (cited by Ambry Genetics and Women's Health and Genetics/Laboratory Corporation of America, LabCorp); PubMed 16683254 (cited by Color Diagnostics, LLC DBA Color Health and Illumina Laboratory Services, Illumina); PubMed 25682074 (cited by Color Diagnostics, LLC DBA Color Health); PubMed 28324225 (cited by 4 submitters); PubMed 29446198 (cited by Color Diagnostics, LLC DBA Color Health and Women's Health and Genetics/Laboratory Corporation of America, LabCorp); PubMed 30039884 (cited by Color Diagnostics, LLC DBA Color Health); PubMed 31407530 (cited by Color Diagnostics, LLC DBA Color Health); PubMed 33471991 (cited by Color Diagnostics, LLC DBA Color Health); PubMed 35464868 (cited by Color Diagnostics, LLC DBA Color Health); PubMed 35736817 (cited by Color Diagnostics, LLC DBA Color Health); DOI 10.3389/fgene.2022.834265 (cited by National Health Laboratory Service, Universitas Academic Hospital and University of the Free State); PubMed 27878467 (cited by Sema4 and Illumina Laboratory Services, Illumina); PubMed 29988080 (cited by Sema4); PubMed 21990134 (cited by Women's Health and Genetics/Laboratory Corporation of America, LabCorp); PubMed 24323938 (cited by Illumina Laboratory Services, Illumina).